The following is an entry in ClinVar:

NM_001035.3(RYR2):c.3461G>A (p.Arg1154His)

Gene: RYR2 (ryanodine receptor 2; plus strand). Cytogenetic location: 1q43.
Variant type: single nucleotide variant.
Coding change: c.3461G>A on transcript NM_001035.3 (MANE Select); coding-DNA position 3461, G replaced by A.
Protein change: p.Arg1154His; replaces arginine 1154 with histidine.
Molecular consequence: missense variant.
Genome position (GRCh38, 1-based): chr1:237,569,182, G>A. VCF-style: chr1-237569182-G-A. GRCh37 (hg19) VCF-style: chr1-237732482-G-A.
Other names: c.3461G>A (NM_001035.2); short protein forms R1154H.
Identifiers: ClinVar variation 1018991 (VCV001018991.12), dbSNP rs530867686, ClinGen allele CA086391.

ClinVar aggregate classification (germline): Conflicting classifications of pathogenicity. Review status: criteria provided, conflicting classifications (1 of 4 stars). 3 submissions from 3 submitters: Uncertain significance (2); Likely benign (1). Last evaluated 2026-07-07.

Conditions:
Cardiovascular phenotype. Identifiers: MedGen CN230736.
Cardiomyopathy (CMYO). Also called: Cardiomyopathies. Identifiers: Orphanet 167848, MedGen C0878544, MONDO:0004994, HP:0001638. Inheritance: Various modes of inheritance.
Catecholaminergic polymorphic ventricular tachycardia 1. Also called: VENTRICULAR TACHYCARDIA, STRESS-INDUCED POLYMORPHIC 1; VENTRICULAR TACHYCARDIA, CATECHOLAMINERGIC POLYMORPHIC, 1, WITH OR WITHOUT ATRIAL DYSFUNCTION AND/OR DILATED CARDIOMYOPATHY; RYR2-Related Catecholaminergic Polymorphic Ventricular Tachycardia. Identifiers: Orphanet 3286, MedGen C1631597, MONDO:0011484, OMIM 604772.

Allele frequency attached by ClinVar (database versions not stated): gnomAD exomes 0.00001 and 0.00002; ExAC 0.00002; TOPMed 0.00001; 1000 Genomes Project 30x 0.00016; 1000 Genomes Project 0.00020.
gnomAD v4.1: 23 of 1,613,830 alleles (0.0014%); highest among the groups gnomAD compares: South Asian, 0.0044%; no homozygotes.

Submissions (3):

Ambry Genetics
Classification: Uncertain significance for Cardiovascular phenotype. Last evaluated: 2026-07-07. Review status: criteria provided, single submitter. Criteria: Ambry Variant Classification Scheme 2023. Collection method: clinical testing. Allele origin: germline.
Comment: The p.R1154H variant (also known as c.3461G>A), located in coding exon 29 of the RYR2 gene, results from a G to A substitution at nucleotide position 3461. The arginine at codon 1154 is replaced by histidine, an amino acid with highly similar properties. This amino acid position is conserved. In addition, the in silico prediction for this alteration is inconclusive. Based on the available evidence, the clinical significance of this variant remains unclear.

Labcorp Genetics (formerly Invitae), Labcorp
Classification: Likely benign for Catecholaminergic polymorphic ventricular tachycardia 1. Last evaluated: 2026-01-15. Review status: criteria provided, single submitter. Criteria: Invitae Variant Classification Sherloc (09022015). Collection method: clinical testing. Allele origin: germline.

Color Diagnostics, LLC DBA Color Health
Classification: Uncertain significance for Cardiomyopathy. Last evaluated: 2025-04-14. Review status: criteria provided, single submitter. Criteria: ACMG Guidelines, 2015. Collection method: clinical testing. Allele origin: germline.
Comment: This missense variant replaces arginine with histidine at codon 1154 of the RYR2 protein. Computational prediction suggests that this variant may not impact protein structure and function. To our knowledge, functional studies have not been reported for this variant. This variant has not been reported in individuals affected with RYR2-related disorders in the literature. This variant has been identified in 5/280460 chromosomes in the general population by the Genome Aggregation Database (gnomAD). The available evidence is insufficient to determine the role of this variant in disease conclusively. Therefore, this variant is classified as a Variant of Uncertain Significance.